The following is an entry in ClinVar:

ClinVar aggregate classification (germline): Uncertain significance (1 of 4 stars; one submission).

Conditions:
Lowe syndrome (OCRL). Also called: LOWE OCULOCEREBRORENAL SYNDROME; PHOSPHATIDYLINOSITOL 4,5-BISPHOSPHATE 5-PHOSPHATASE DEFICIENCY; Oculocerebrorenal Syndrome. Identifiers: Orphanet 534, MedGen C0028860, MONDO:0010645, OMIM 309000.

gnomAD v4.1: 5 of 1,207,406 alleles (0.00041%); highest among the groups gnomAD compares: Non-Finnish European, 0.00056%; no homozygotes.

Submission:

Labcorp Genetics (formerly Invitae), Labcorp
Classification: Uncertain significance for Lowe syndrome. Last evaluated: 2025-10-09. Review status: criteria provided, single submitter. Criteria: Invitae Variant Classification Sherloc (09022015). Collection method: clinical testing. Allele origin: germline.
Comment: This sequence change replaces cysteine, which is neutral and slightly polar, with arginine, which is basic and polar, at codon 831 of the OCRL protein (p.Cys831Arg). This variant is not present in population databases (gnomAD no frequency). This variant has not been reported in the literature in individuals affected with OCRL-related conditions. Invitae Evidence Modeling of protein sequence and biophysical properties (such as structural, functional, and spatial information, amino acid conservation, physicochemical variation, residue mobility, and thermodynamic stability) indicates that this missense variant is not expected to disrupt OCRL protein function with a negative predictive value of 80%. In summary, the available evidence is currently insufficient to determine the role of this variant in disease. Therefore, it has been classified as a Variant of Uncertain Significance.

NM_000276.4(OCRL):c.2491T>C (p.Cys831Arg)

Gene: OCRL (OCRL inositol polyphosphate-5-phosphatase; plus strand). Cytogenetic location: Xq26.1.
Variant type: single nucleotide variant.
Coding change: c.2491T>C on transcript NM_000276.4 (MANE Select); coding-DNA position 2491, T replaced by C.
Protein change: p.Cys831Arg; replaces cysteine 831 with arginine.
Molecular consequence: missense variant.
Genome position (GRCh38, 1-based): chrX:129,589,866, T>C. VCF-style: chrX-129589866-T-C. GRCh37 (hg19) VCF-style: chrX-128723843-T-C.
Other names: c.2494T>C, p.Cys832Arg (NM_001318784.2); c.2467T>C, p.Cys823Arg (NM_001587.4); short protein forms C832R, C823R, C831R.
Identifiers: ClinVar variation 4751092 (VCV004751092.1).